The following is an entry in ClinVar:

NM_005045.4(RELN):c.10120A>G (p.Ile3374Val)

Genes: SLC26A5-AS1 (SLC26A5 antisense RNA 1; plus strand), RELN (reelin; minus strand). Cytogenetic location: 7q22.1.
Variant type: single nucleotide variant.
Coding change: c.10120A>G on transcript NM_005045.4 (MANE Select); coding-DNA position 10120, A replaced by G.
Protein change: p.Ile3374Val; replaces isoleucine 3374 with valine.
Molecular consequence: missense variant.
Genome position (GRCh38, 1-based): chr7:103,483,714, T>C on the plus strand (A>G on the coding strand, the complement: RELN is on the minus strand). VCF-style: chr7-103483714-T-C. GRCh37 (hg19) VCF-style: chr7-103124161-T-C.
Other names: c.10120A>G, p.Ile3374Val (NM_173054.3); short protein forms I3374V.
Identifiers: ClinVar variation 596127 (VCV000596127.13), dbSNP rs752768228, ClinGen allele CA4420048.

ClinVar aggregate classification (germline): Uncertain significance. Review status: criteria provided, multiple submitters, no conflicts (2 of 4 stars). 2 submissions from 2 submitters: Uncertain significance (2). Last evaluated 2024-10-27.

Conditions:
Familial temporal lobe epilepsy 7. Identifiers: Orphanet 101046, MedGen C4225327, MONDO:0014639, OMIM 616436.
Norman-Roberts syndrome (LIS2). Also called: Lissencephaly 2 (Norman-Roberts type). Identifiers: Orphanet 89844, MedGen C0796089, MONDO:0009760, OMIM 257320.

Allele frequency attached by ClinVar (database versions not stated): gnomAD 0.00001; TOPMed 0.00001; ExAC 0.00002; gnomAD exomes 0.00002.
gnomAD v4.1: 31 of 1,614,056 alleles (0.0019%); highest among the groups gnomAD compares: Non-Finnish European, 0.0025%; no homozygotes.

Submissions (2):

Labcorp Genetics (formerly Invitae), Labcorp
Classification: Uncertain significance for Familial temporal lobe epilepsy 7; Norman-Roberts syndrome. Last evaluated: 2024-10-27. Review status: criteria provided, single submitter. Criteria: Invitae Variant Classification Sherloc (09022015). Collection method: clinical testing. Allele origin: germline.
Comment: This sequence change replaces isoleucine, which is neutral and non-polar, with valine, which is neutral and non-polar, at codon 3374 of the RELN protein (p.Ile3374Val). This variant is present in population databases (rs752768228, gnomAD 0.003%). This variant has not been reported in the literature in individuals affected with RELN-related conditions. ClinVar contains an entry for this variant (Variation ID: 596127). Invitae Evidence Modeling of protein sequence and biophysical properties (such as structural, functional, and spatial information, amino acid conservation, physicochemical variation, residue mobility, and thermodynamic stability) indicates that this missense variant is not expected to disrupt RELN protein function with a negative predictive value of 80%. In summary, the available evidence is currently insufficient to determine the role of this variant in disease. Therefore, it has been classified as a Variant of Uncertain Significance.

Eurofins Ntd Llc (ga)
Classification: Uncertain significance. Last evaluated: 2018-03-01. Review status: criteria provided, single submitter. Criteria: EGL ClinVar v180209 classification definitions. Collection method: clinical testing. Allele origin: germline. Observed: 1 variant allele, 1 heterozygote.